The following is an entry in ClinVar:

ClinVar aggregate classification (germline): Pathogenic (1 of 4 stars; one submission).

Conditions:
Autosomal recessive Alport syndrome (ATS2). Also called: COL4A3-Related Nephropathy; COL4A4 Alport Syndrome and Thin Basement Membrane Nephropathy; ALPORT SYNDROME 2, AUTOSOMAL RECESSIVE; Alport syndrome type 2. Identifiers: Orphanet 63, Orphanet 88919, MedGen C4746745, MONDO:0008762, OMIM 203780.

Submission:

Women's Health and Genetics/Laboratory Corporation of America, LabCorp
Classification: Pathogenic for Autosomal recessive Alport syndrome. Last evaluated: 2026-04-27. Review status: criteria provided, single submitter. Criteria: LabCorp Variant Classification Summary - May 2015. Collection method: clinical testing. Allele origin: germline.
Comment: Variant summary: The variant involves the deletion of exon 26 in the COL4A4 gene. A presumed nomenclature of c.(1987+1_1988-1)_(2056+1_2057-1)del has been designated for the purposes of this classification. This Copy Number Variant (CNV) is predicted to result in an in-frame deletion within this gene. Loss-of-function variants in this gene are known to be pathogenic. Similar copy number variants were absent in 19592 control chromosomes (gnomAD SV database). To our knowledge, no occurrence of similar copy number variants in individuals affected with COL4A4-related conditions and no experimental evidence demonstrating impact on protein function have been reported. At least 1 variant within the deleted region (c.2029G>A, p.Gly677Ser) has been classified as Pathogenic/Likely Pathogenic by our laboratory. No submitters have cited clinical-significance assessments for similar copy number variants to ClinVar. Based on the evidence outlined above, the variant was classified as pathogenic for autosomal dominant and autosomal recessive COL4A4-related conditions.

NC_000002.11:g.(227924960_227927245)_(227927315_227942609)del

Gene: COL4A4 (collagen type IV alpha 4 chain; minus strand). Cytogenetic location: 2q36.3.
Variant type: Deletion.
Identifiers: ClinVar variation 4849074 (VCV004849074.1).